The following is an entry in ClinVar:

NM_001457.4(FLNB):c.5071G>A (p.Gly1691Ser)

Gene: FLNB (filamin B; plus strand). Cytogenetic location: 3p14.3.
Variant type: single nucleotide variant.
Coding change: c.5071G>A on transcript NM_001457.4 (MANE Select); coding-DNA position 5071, G replaced by A.
Protein change: p.Gly1691Ser; replaces glycine 1691 with serine.
Molecular consequence: missense variant.
Genome position (GRCh38, 1-based): chr3:58,138,491, G>A. VCF-style: chr3-58138491-G-A. GRCh37 (hg19) VCF-style: chr3-58124218-G-A.
Other names: c.5164G>A, p.Gly1722Ser (NM_001164317.2); c.5071G>A, p.Gly1691Ser (NM_001164318.2, NM_001164319.2); short protein forms G1691S, G1722S.
Identifiers: ClinVar variation 6406 (VCV000006406.21), dbSNP rs80356503, ClinGen allele CA130019.

ClinVar aggregate classification (germline): Pathogenic. Review status: criteria provided, multiple submitters, no conflicts (2 of 4 stars). 11 submissions from 11 submitters: Pathogenic (7). 4 of the submissions do not count toward it. Last evaluated 2025-11-19.

Conditions:
FLNB-related disorder. Also called: FLNB-related condition; FLNB-related disorders. Identifiers: MedGen CN381095.
Spondylocarpotarsal synostosis syndrome (SCT). Also called: Spondylocarpotarsal Synostosis Syndrome (FLNB-SCT); SPONDYLOCARPOTARSAL SYNDROME; Synspondylism congenital; Scoliosis, congenital with unilateral unsegmented bar; VERTEBRAL FUSION WITH CARPAL COALITION. Identifiers: Orphanet 3275, MedGen C1848934, MONDO:0010094, OMIM 272460.
Boomerang dysplasia. Identifiers: Orphanet 1263, MedGen C0432201, MONDO:0007208, OMIM 112310.
Larsen syndrome (LRS). Also called: Larsen syndrome (FLNB-LS); Bilateral dislocation of the knees, pes cavus, cylindrically shaped fingers and characteristic facies. Identifiers: Orphanet 503, MedGen C0175778, MONDO:0007875, OMIM 150250. Disease mechanism: loss of function.
Atelosteogenesis type I. Also called: SPONDYLOHUMEROFEMORAL HYPOPLASIA; GIANT CELL CHONDRODYSPLASIA; Atelosteogenesis Type 1 (FLNB-AO1). Identifiers: Orphanet 1190, MedGen C0265283, MONDO:0007167, OMIM 108720.
Atelosteogenesis type III. Also called: Atelosteogenesis Type 3 (FLNB-AO3). Identifiers: Orphanet 56305, MedGen C3668942, MONDO:0007168, OMIM 108721.

Submissions (11):

Labcorp Genetics (formerly Invitae), Labcorp
Classification: Pathogenic. Last evaluated: 2025-11-19. Review status: criteria provided, single submitter. Criteria: Invitae Variant Classification Sherloc (09022015). Collection method: clinical testing. Allele origin: germline.
Comment: This sequence change replaces glycine, which is neutral and non-polar, with serine, which is neutral and polar, at codon 1691 of the FLNB protein (p.Gly1691Ser). This variant is not present in population databases (gnomAD no frequency). This missense change has been observed in individual(s) with autosomal dominant Larsen syndrome or atelosteogenesis III (PMID: 14991055, 16648377, 16752402, 27048506). In at least one individual the variant was observed to be de novo. This variant is also known as p.Gly1722Ser. ClinVar contains an entry for this variant (Variation ID: 6406). Invitae Evidence Modeling of protein sequence and biophysical properties (such as structural, functional, and spatial information, amino acid conservation, physicochemical variation, residue mobility, and thermodynamic stability) indicates that this missense variant is expected to disrupt FLNB protein function with a positive predictive value of 80%. For these reasons, this variant has been classified as Pathogenic.

OLLIN Analises Genomicas, OLLIN
Classification: Pathogenic for Larsen syndrome. Last evaluated: 2025-04-17. Review status: criteria provided, single submitter. Criteria: ACMG Guidelines 2015 PMID 25741868. Collection method: clinical testing. Allele origin: germline. Affected: yes. Observed: 1 variant allele.
Comment: The missense variant (chr3:58138491G>A), located in exon 29 (of 46), absent in gnomAD v4.1 non-UKB, is reported in ClinVar (VCV000006406.18) and in the scientific literature, and has also been identified de novo in individuals with Larsen syndrome (PMID: 16801345). In silico analysis predicts that this variant has a deleterious effect. There is another pathogenic variant reported in the same residue, but with a different consequence. According to the currently available evidence, this variant has been classified as pathogenic (PS2_VS, PM2_P, PM5, PP3).

3billion
Classification: Pathogenic for Larsen syndrome. Last evaluated: 2025-03-24. Review status: criteria provided, single submitter. Criteria: ACMG Guidelines, 2015. Collection method: clinical testing. Allele origin: germline. Affected: yes.
Comment: The variant is not observed in the gnomAD v4.1.0 dataset. Predicted Consequence/Location:Missense variant. In silico tool predictions suggest damaging effect of the variant on gene or gene product [REVEL: 0.70 (>=0.6, sensitivity 0.68 and specificity 0.92); 3Cnet: 0.98 (> 0.75, sensitivity 0.96 and precision 0.92)]. The same nucleotide change resulting in the same amino acid change has been previously reported as pathogenic/likely pathogenic with strong evidence (ClinVar ID: VCV000006406 / PMID: 14991055). The variant has been previously reported as de novo in a similarly affected individual (PMID: 16801345). Different missense changes at the same codon (p.Gly1691Asp, p.Gly1691Cys) have been reported as pathogenic/likely pathogenic with strong evidence (ClinVar ID: VCV000522782 / PMID: 22190451). Therefore, this variant is classified as Pathogenic according to the recommendation of ACMG/AMP guideline.

Clinical Genetics and Genomics, Karolinska University Hospital
Classification: Pathogenic for Larsen syndrome. Last evaluated: 2024-03-19. Review status: criteria provided, single submitter. Criteria: Strehlow et al. (Brain. 2019). Collection method: clinical testing. Allele origin: de novo. Inheritance: Autosomal dominant inheritance. Affected: yes.

Blueprint Genetics
Classification: Pathogenic for FLNB-related disorders. Last evaluated: 2020-11-19. Review status: criteria provided, single submitter. Criteria: ACMG Guidelines, 2015. Collection method: clinical testing. Allele origin: germline. Affected: yes. Observed: 1 variant allele.

Clinical Biomedical Laboratory, Shriners Hospital For Children - Canada
Classification: Pathogenic for Larsen syndrome. Review status: criteria provided, single submitter. Criteria: ACMG Guidelines, 2015. Collection method: clinical testing. Allele origin: germline. Affected: yes.
Comment: This variant is absent in the Genome Aggregation Database (gnomAD v2.1.1), indicating it is very rare. Computational tools (REVEL: 0.70) suggest that the amino acid change is deleterious to protein function. This variant has been reported in the literature several times (e.g., PMID 16648377). Based on the ACMG variant interpretation guidelines (criteria: PS3, PM2, PM5, PP3, PP4), the available evidence supports classification of this variant as pathogenic.

Juno Genomics, Hangzhou Juno Genomics, Inc
Classification: Pathogenic for Atelosteogenesis type I; Atelosteogenesis type III; Boomerang dysplasia; Larsen syndrome; Spondylocarpotarsal synostosis syndrome. Review status: criteria provided, single submitter. Criteria: ACMG Guidelines, 2015. Collection method: clinical testing. Allele origin: germline. Affected: yes.
Comment: Absent from controls (or at extremely low frequency if recessive) in Genome Aggregation Database, Exome Sequencing Project, 1000 Genomes Project, or Exome Aggregation Consortium.;Multiple lines of computational evidence support a deleterious effect on the gene or gene product (conservation, evolutionary, splicing impact, etc).;De novo (both maternity and paternity confirmed) in a patient with the disease and no family history.;The prevalence of the variant in affected individuals is significantly increased compared to the prevalence in controls.

OMIM
Classification: Pathogenic for LARSEN SYNDROME. Last evaluated: 2007-02-01. Review status: no assertion criteria provided. Collection method: literature only. Allele origin: germline. Not counted in ClinVar's aggregate classification.

Clinical Genetics DNA and cytogenetics Diagnostics Lab, Erasmus MC, Erasmus Medical Center
Classification: Pathogenic. Review status: no assertion criteria provided. Collection method: clinical testing. Allele origin: germline. Affected: yes. Study: VKGL Data-share Consensus. Not counted in ClinVar's aggregate classification.

GeneReviews
No classification provided. Condition: Larsen syndrome. Review status: no classification provided. Collection method: literature only. Allele origin: unknown. Not counted in ClinVar's aggregate classification.

Joint Genome Diagnostic Labs from Nijmegen and Maastricht, Radboudumc and MUMC+
Classification: Pathogenic. Review status: no assertion criteria provided. Collection method: clinical testing. Allele origin: germline. Affected: yes. Study: VKGL Data-share Consensus. Not counted in ClinVar's aggregate classification.

Literature cited by the submitters: PubMed 14991055 (cited by Labcorp Genetics (formerly Invitae), Labcorp and 3billion); PubMed 16648377 (cited by 3 submitters); PubMed 16752402 (cited by Labcorp Genetics (formerly Invitae), Labcorp); PubMed 27048506 (cited by Labcorp Genetics (formerly Invitae), Labcorp); PubMed 16801345 (cited by 4 submitters); PubMed 22190451 (cited by 3billion); PubMed 20301736 (cited by GeneReviews); NCBI Bookshelf NBK2534 (cited by GeneReviews).